The following is an entry in ClinVar:

ClinVar aggregate classification (germline): Conflicting classifications of pathogenicity. Review status: criteria provided, conflicting classifications (1 of 4 stars). 21 submissions from 20 submitters: Uncertain significance (3); Benign (10); Likely benign (5). 3 of the submissions do not count toward it. Last evaluated 2026-02-04.

Conditions:
Hereditary cancer-predisposing syndrome. Also called: Tumor predisposition; Neoplastic Syndromes, Hereditary; Hereditary Cancer Syndrome; Hereditary neoplastic syndrome. Identifiers: Orphanet 140162, MedGen C0027672, MeSH D009386, MONDO:0015356.
Familial adenomatous polyposis 2. Also called: MUTYH Polyposis; FAP type 2; MUTYH-associated polyposis; MUTYH-related attenuated familial adenomatous polyposis; MYH-associated polyposis; Adenomas, multiple colorectal. Identifiers: Orphanet 220460, Orphanet 247798, MedGen C3272841, MONDO:0012041, OMIM 608456.
Carcinoma of colon (CRC). Also called: Colonic carcinoma; Colon carcinoma. Identifiers: MedGen C0699790, MONDO:0002032.

Allele frequency attached by ClinVar (database versions not stated): gnomAD exomes 0.00042 and 0.00107; gnomAD 0.00044 and 0.00059; TOPMed 0.00081; ExAC 0.00111; 1000 Genomes Project 0.00180; 1000 Genomes Project 30x 0.00187.
gnomAD v4.1: 712 of 1,614,074 alleles (0.044%); highest among the groups gnomAD compares: East Asian, 1.1%; 7 homozygotes.

Submissions 1 to 20 of 21:

Labcorp Genetics (formerly Invitae), Labcorp
Classification: Benign for Familial adenomatous polyposis 2. Last evaluated: 2026-02-04. Review status: criteria provided, single submitter. Criteria: Invitae Variant Classification Sherloc (09022015). Collection method: clinical testing. Allele origin: germline.

Quest Diagnostics Nichols Institute San Juan Capistrano
Classification: Likely benign. Last evaluated: 2025-07-18. Review status: criteria provided, single submitter. Criteria: Quest Diagnostics criteria. Collection method: clinical testing. Allele origin: unknown.

Mayo Clinic Laboratories, Mayo Clinic
Classification: Likely benign. Last evaluated: 2025-03-12. Review status: criteria provided, single submitter. Criteria: ACMG Guidelines, 2015. Collection method: clinical testing. Allele origin: germline. Observed: 2 variant alleles.
Comment: BS1, BP4

Center for Genomic Medicine, Rigshospitalet, Copenhagen University Hospital
Classification: Uncertain significance. Last evaluated: 2025-03-04. Review status: criteria provided, single submitter. Criteria: ACMG Guidelines, 2015. Collection method: clinical testing. Allele origin: germline.

Color Diagnostics, LLC DBA Color Health
Classification: Benign for Hereditary cancer-predisposing syndrome. Last evaluated: 2024-09-19. Review status: criteria provided, single submitter. Criteria: ACMG Guidelines, 2015. Collection method: clinical testing. Allele origin: germline.

CeGaT Center for Human Genetics Tuebingen
Classification: Benign. Last evaluated: 2024-08-01. Review status: criteria provided, single submitter. Criteria: CeGaT Center For Human Genetics Tuebingen Variant Classification Criteria Version 2. Collection method: clinical testing. Allele origin: germline. Affected: yes. Observed: 3 variant alleles.
Comment: MUTYH: BP4, BS1, BS2

Blueprint Genetics
Classification: Likely benign. Last evaluated: 2024-07-10. Review status: criteria provided, single submitter. Criteria: ACMG Guidelines, 2015. Collection method: clinical testing. Allele origin: germline.

ARUP Laboratories, Molecular Genetics and Genomics, ARUP Laboratories
Classification: Benign. Last evaluated: 2023-04-28. Review status: criteria provided, single submitter. Criteria: ARUP Molecular Germline Variant Investigation Process 2024. Collection method: clinical testing. Allele origin: germline.

GeneDx
Classification: Likely benign. Last evaluated: 2021-06-11. Review status: criteria provided, single submitter. Criteria: GeneDx Variant Classification Process June 2021. Collection method: clinical testing. Allele origin: germline. Affected: yes.
Comment: This variant is associated with the following publications: (PMID: 22703879, 11295288, 22641385, 25980754, 18422726, 18811933, 25525159, 16929514, 25820570, 26684191, 17252231, 27443514, 26332594, 24728327, 17703316, 27600092, 29330641, 29879026, 30333958, 29667044)

Sema4
Classification: Benign for Hereditary cancer-predisposing syndrome. Last evaluated: 2020-08-18. Review status: criteria provided, single submitter. Criteria: Sema4 Curation Guidelines. Collection method: curation. Allele origin: germline.

Mendelics
Classification: Benign for Familial adenomatous polyposis 2. Last evaluated: 2019-05-28. Review status: criteria provided, single submitter. Criteria: Mendelics Assertion Criteria 2017. Collection method: clinical testing. Allele origin: unknown.

Department of Pathology and Laboratory Medicine, Sinai Health System
Classification: Likely benign for Familial adenomatous polyposis 2. Last evaluated: 2019-04-01. Review status: criteria provided, single submitter. Criteria: ACMG Guidelines, 2015. Collection method: research. Allele origin: germline.

Women's Health and Genetics/Laboratory Corporation of America, LabCorp
Classification: Benign. Last evaluated: 2017-08-21. Review status: criteria provided, single submitter. Criteria: LabCorp Variant Classification Summary - May 2015. Collection method: clinical testing. Allele origin: germline.
Comment: Variant summary: The MUTYH c.53C>T (p.Pro18Leu) variant causes a missense change involving the alteration of a non-conserved nucleotide. 2/3 in silico tools predict a benign outcome for this variant (SNPsandGO not captured due to low reliability index). The variant was observed in the large and broad cohorts of the ExAC project at an allele frequency of 0.001112 (135/121410 chrs tested), predominantly in individuals of East Asian descent with a frequency of 0.013 (114/8654 chrs, including 2 homozygotes). This frequency is about 3 times the estimated maximal expected allele frequency of a pathogenic MUTYH variant (0.0045644), suggesting this is likely a benign polymorphism found primarily in the populations of East Asian origin. Most of the published reports indicate that c.74G>A co-occurs in cis with c.74G>A(G25DL). Although c.[53C>T; 74G>A] haplotype has been reported to be enriched in sporadic CRC pts compared to controls (Chen, 2008), in functional studies both the complex allele and its compounds were shown to retain complementation ability and were considered to be functionally neutral. In addition, several reported CRC pts carried known pathogenic variants (APC c.3595_3596delAA (p.Lys1199Glufs), MSH6 c.3724_3726del (p.Arg1242del) , that could have explain CRC phenotype in these families (Taki, 2016, Ring, 2012). Lastly, several reputable databases/diagnostic centers classified the variant of interest as VUS/ Benign. Taking together, by applying ACMG rules, the variant was classified as Benign.

PreventionGenetics, part of Exact Sciences
Classification: Benign. Last evaluated: 2017-08-02. Review status: criteria provided, single submitter. Criteria: ACMG Guidelines, 2015. Collection method: clinical testing. Allele origin: germline.

Illumina Laboratory Services, Illumina
Classification: Uncertain significance for Familial adenomatous polyposis 2. Last evaluated: 2017-04-27. Review status: criteria provided, single submitter. Criteria: ICSL Variant Classification Criteria 13 December 2019. Collection method: clinical testing. Allele origin: germline.

Ambry Genetics
Classification: Benign for Hereditary cancer-predisposing syndrome. Last evaluated: 2017-04-03. Review status: criteria provided, single submitter. Criteria: Ambry Variant Classification Scheme 2023. Collection method: clinical testing. Allele origin: germline.

Laboratory for Molecular Medicine, Mass General Brigham Personalized Medicine
Classification: Benign. Last evaluated: 2016-03-29. Review status: criteria provided, single submitter. Criteria: LMM Criteria. Collection method: clinical testing. Allele origin: germline.
Comment: Variant identified in a genome or exome case(s) and assessed due to predicted null impact of the variant or pathogenic assertions in the literature or databases. Disclaimer: This variant has not undergone full assessment. The following are preliminary notes: ExAC: 1.3% (114/8654) East Asian chromosomes - common haplotype with Gly25Asp

Soonchunhyang University Bucheon Hospital, Soonchunhyang University Medical Center
Classification: Uncertain significance for Familial adenomatous polyposis 2. Last evaluated: 2016-03-18. Review status: criteria provided, single submitter. Criteria: ACMG Guidelines, 2015. Collection method: reference population. Allele origin: germline. Observed: 4 variant alleles.

ITMI
No classification provided. Condition: AllHighlyPenetrant. Last evaluated: 2013-09-19. Review status: no classification provided. Collection method: reference population. Allele origin: germline. Not counted in ClinVar's aggregate classification.
Comment: Please see associated publication for description of ethnicities

Biesecker Lab/Clinical Genomics Section, National Institutes of Health
Classification: Uncertain significance. Last evaluated: 2012-07-13. Review status: no assertion criteria provided. Collection method: research. Allele origin: germline. Affected: no. Observed: 1 variant allele. Study: ClinSeq. Not counted in ClinVar's aggregate classification.
Comment: The accession SCV000043182.1 was assigned erroneously to two variants. SCV000043182.1 represents NM_007294.3:c.1233T>G ; NM_001048171.1:c.53C>T is now represented by SCV000043382.1.
ClinVar note: Converted during submission from variant of unknown significance to Uncertain significance.

NM_001048174.2(MUTYH):c.11C>T (p.Pro4Leu)

Gene: MUTYH (mutY DNA glycosylase; minus strand). Cytogenetic location: 1p34.1.
Variant type: single nucleotide variant.
Coding change: c.11C>T on transcript NM_001048174.2 (MANE Select); coding-DNA position 11, C replaced by T.
Protein change: p.Pro4Leu; replaces proline 4 with leucine.
Molecular consequence: missense variant. On other transcripts: 5 prime UTR variant (4), non-coding transcript variant (2).
Genome position (GRCh38, 1-based): chr1:45,334,495, G>A on the plus strand (C>T on the coding strand, the complement: MUTYH is on the minus strand). VCF-style: chr1-45334495-G-A. GRCh37 (hg19) VCF-style: chr1-45800167-G-A.
Other names: p.P18L:CCA>CTA; c.11C>T, p.Pro4Leu (NM_001048171.2, NM_001048172.2, NM_001048173.2 and 2 more transcripts); c.53C>T, p.Pro18Leu (NM_001128425.2, NM_001293190.2, NM_012222.3); c.-202C>T (NM_001293192.2, NM_001293196.2); c.-261C>T (NM_001350650.2); c.-197C>T (NM_001350651.2); short protein forms P18L, P4L.
Identifiers: ClinVar variation 41759 (VCV000041759.83), dbSNP rs79777494, ClinGen allele CA011771.